The following is an entry in ClinVar:

ClinVar aggregate classification (germline): Likely pathogenic. Review status: criteria provided, multiple submitters, no conflicts (2 of 4 stars). 4 submissions from 4 submitters: Likely pathogenic (3). 1 of the submissions does not count toward it. Last evaluated 2019-10-02.

Conditions:
MAPK8IP3-related disorder. Also called: MAPK8IP3-related condition.
Neurodevelopmental disorder with or without variable brain abnormalities; NEDBA. Also called: NEURODEVELOPMENTAL DISORDER WITH OR WITHOUT VARIABLE BRAIN ABNORMALITIES. Identifiers: MedGen C5193102, MONDO:0032755, OMIM 618443.

Submissions (4):

SIB Swiss Institute of Bioinformatics
Classification: Likely pathogenic for Neurodevelopmental disorder with or without variable brain abnormalities; NEDBA. Last evaluated: 2019-10-02. Review status: criteria provided, single submitter. Criteria: ACMG Guidelines, 2015. Collection method: curation. Allele origin: unknown.
Comment: This variant is interpreted as a Likely pathogenic for Neurodevelopmental disorder with or without variable brain abnormalities, autosomal dominant. The following ACMG Tag(s) were applied: PM2, PVS1-Strong.

Institute of Human Genetics, University of Leipzig Medical Center
Classification: Likely pathogenic for Neurodevelopmental disorder with or without variable brain abnormalities; NEDBA. Last evaluated: 2019-02-07. Review status: criteria provided, single submitter. Criteria: ACMG Guidelines, 2015. Collection method: clinical testing. Allele origin: de novo. Affected: yes.
Comment: This variant was identified as de novo (maternity and paternity confirmed).

Undiagnosed Diseases Network, NIH
Classification: Likely pathogenic for MAPK8IP3-related disorder. Last evaluated: 2018-10-11. Review status: criteria provided, single submitter. Criteria: ACMG Guidelines, 2015. Collection method: clinical testing. Allele origin: de novo. Inheritance: Autosomal dominant inheritance. Affected: yes. Observed: 1 variant allele, 1 heterozygote.

OMIM
Classification: Pathogenic for NEURODEVELOPMENTAL DISORDER WITH VARIABLE BRAIN ABNORMALITIES. Last evaluated: 2019-05-23. Review status: no assertion criteria provided. Collection method: literature only. Allele origin: germline. Not counted in ClinVar's aggregate classification.

Literature cited by the submitters: PubMed 30612693 (cited by 3 submitters).

NM_001318852.2(MAPK8IP3):c.111C>G (p.Tyr37Ter)

Gene: MAPK8IP3 (mitogen-activated protein kinase 8 interacting protein 3; plus strand). Cytogenetic location: 16p13.3.
Variant type: single nucleotide variant.
Coding change: c.111C>G on transcript NM_001318852.2 (MANE Select); coding-DNA position 111, C replaced by G.
Protein change: p.Tyr37Ter; replaces tyrosine 37 with a stop codon.
Molecular consequence: nonsense.
Genome position (GRCh38, 1-based): chr16:1,706,450, C>G. VCF-style: chr16-1706450-C-G. GRCh37 (hg19) VCF-style: chr16-1756451-C-G.
Other names: c.111C>G, p.Tyr37Ter (NM_001040439.2, NM_015133.5); short protein forms Y37*.
Identifiers: ClinVar variation 598741 (VCV000598741.6), dbSNP rs770703007, ClinGen allele CA394212778.